The following is an entry in ClinVar:

NM_152269.5(MTRFR):c.292A>C (p.Thr98Pro)

Gene: MTRFR (mitochondrial translation release factor in rescue; plus strand). Cytogenetic location: 12q24.31.
Variant type: single nucleotide variant.
Coding change: c.292A>C on transcript NM_152269.5 (MANE Select); coding-DNA position 292, A replaced by C.
Protein change: p.Thr98Pro; replaces threonine 98 with proline.
Molecular consequence: missense variant.
Genome position (GRCh38, 1-based): chr12:123,256,822, A>C. VCF-style: chr12-123256822-A-C. GRCh37 (hg19) VCF-style: chr12-123741369-A-C.
Other names: c.292A>C, p.Thr98Pro (NM_001143905.2, NM_001194995.1); short protein forms T98P.
Identifiers: ClinVar variation 1805511 (VCV001805511.1), dbSNP rs2547600194, ClinGen allele CA387118928.

ClinVar aggregate classification (germline): Uncertain significance (1 of 4 stars; one submission).

Conditions:
Combined oxidative phosphorylation defect type 7. Identifiers: Orphanet 254930, MedGen C3150801, MONDO:0013306, OMIM 613559.

Submission:

Victorian Clinical Genetics Services, Murdoch Childrens Research Institute
Classification: Uncertain significance for Combined oxidative phosphorylation defect type 7. Last evaluated: 2019-08-28. Review status: criteria provided, single submitter. Criteria: ACMG Guidelines, 2015. Collection method: clinical testing. Allele origin: germline. Inheritance: Autosomal recessive inheritance.
Comment: A heterozygous missense variant was identified, NM_152269.4(C12orf65):c.292A>C in exon 3 of 3 of the C12orf65 gene. This substitution is predicted to create a minor amino acid change from threonine to proline at position 98 of the protein, NP_689482.1(C12orf65):p.(Thr98Pro). The threonine at this position has very high conservation (100 vertebrates, UCSC), and is located within the GGQ region of the RF-1 domain. In silico software predicts this variant to be disease causing (Polyphen, SIFT, CADD, Mutation Taster). The variant is not present in the gnomAD population database and has not been previously reported in clinical cases. Based on information available at the time of curation, this variant has been classified as a VARIANT of UNCERTAIN SIGNIFICANCE (VUS).